The following is an entry in ClinVar:

NM_001042517.2(DIAPH3):c.3028-3T>G

Gene: DIAPH3 (diaphanous related formin 3; minus strand). Cytogenetic location: 13q21.2.
Variant type: single nucleotide variant.
Coding change: c.3028-3T>G on transcript NM_001042517.2 (MANE Select); 3 bases into the intron before coding-DNA position 3028, T replaced by G.
Molecular consequence: intron variant.
Genome position (GRCh38, 1-based): chr13:59,810,926, A>C on the plus strand (T>G on the coding strand, the complement: DIAPH3 is on the minus strand). VCF-style: chr13-59810926-A-C. GRCh37 (hg19) VCF-style: chr13-60385060-A-C.
Other names: NC_000013.10:g.60385060A>C; c.2818-3T>G (NM_001258368.2); c.2890-3T>G (NM_001258367.2); c.2995-3T>G (NM_001258366.2); c.3028-3T>G (NM_001258369.2); c.2239-3T>G (NM_030932.4).
Identifiers: ClinVar variation 4393298 (VCV004393298.2).

ClinVar aggregate classification (germline): Uncertain significance (1 of 4 stars; one submission).

Submissions (4):

Labcorp Genetics (formerly Invitae), Labcorp
Classification: Uncertain significance. Last evaluated: 2025-03-16. Review status: criteria provided, single submitter. Criteria: Invitae Variant Classification Sherloc (09022015). Collection method: clinical testing. Allele origin: germline.
Comment: This sequence change falls in intron 24 of the DIAPH3 gene. It does not directly change the encoded amino acid sequence of the DIAPH3 protein. It affects a nucleotide within the consensus splice site. This variant is not present in population databases (gnomAD no frequency). This variant has not been reported in the literature in individuals affected with DIAPH3-related conditions. Variants that disrupt the consensus splice site are a relatively common cause of aberrant splicing (PMID: 17576681, 9536098). Algorithms developed to predict the effect of sequence changes on RNA splicing suggest that this variant may disrupt the consensus splice site. In summary, the available evidence is currently insufficient to determine the role of this variant in disease. Therefore, it has been classified as a Variant of Uncertain Significance.

Dr. Peter K. Rogan Lab, Western University
No classification provided (evidence only). Condition: Nonpapillary renal cell carcinoma. Review status: no classification provided. Collection method: in vitro. Allele origin: not applicable. Functional consequence: retained intron. Not counted in ClinVar's aggregate classification.

Dr. Peter K. Rogan Lab, Western University
No classification provided (evidence only). Condition: Nonpapillary renal cell carcinoma. Review status: no classification provided. Collection method: in vitro. Allele origin: not applicable. Functional consequence: retained intron. Not counted in ClinVar's aggregate classification.

Dr. Peter K. Rogan Lab, Western University
No classification provided (evidence only). Condition: Nonpapillary renal cell carcinoma. Review status: no classification provided. Collection method: in vitro. Allele origin: not applicable. Functional consequence: retained intron. Not counted in ClinVar's aggregate classification.

Literature cited by the submitters: PubMed 17576681 (cited by Labcorp Genetics (formerly Invitae), Labcorp); PubMed 9536098 (cited by Labcorp Genetics (formerly Invitae), Labcorp).